The following is an entry in ClinVar:

NM_001142864.4(PIEZO1):c.6446T>A (p.Ile2149Asn)

Gene: PIEZO1 (piezo type mechanosensitive ion channel component 1 (Er blood group); minus strand). Cytogenetic location: 16q24.3.
Variant type: single nucleotide variant.
Coding change: c.6446T>A on transcript NM_001142864.4 (MANE Select); coding-DNA position 6446, T replaced by A.
Protein change: p.Ile2149Asn; replaces isoleucine 2149 with asparagine.
Molecular consequence: missense variant.
Genome position (GRCh38, 1-based): chr16:88,719,599, A>T on the plus strand (T>A on the coding strand, the complement: PIEZO1 is on the minus strand). VCF-style: chr16-88719599-A-T. GRCh37 (hg19) VCF-style: chr16-88786007-A-T.
Other names: p.Ile2149Asn; c.4988T>A, p.Ile1663Asn (NM_014745.1); short protein forms I1663N, I2149N.
Identifiers: ClinVar variation 2683388 (VCV002683388.4), dbSNP rs753600208, ClinGen allele CA8231633.

ClinVar aggregate classification (germline): Conflicting classifications of pathogenicity. Review status: criteria provided, conflicting classifications (1 of 4 stars). 4 submissions from 4 submitters: Uncertain significance (3); Benign (1). Last evaluated 2026-08-01.

Allele frequency attached by ClinVar (database versions not stated): TOPMed 0.00002; gnomAD 0.00004; gnomAD exomes 0.00005; ExAC 0.00027.
gnomAD v4.1: 75 of 1,551,324 alleles (0.0048%); highest among the groups gnomAD compares: South Asian, 0.056%; no homozygotes.

Submissions (4):

CeGaT Center for Human Genetics Tuebingen
Classification: Uncertain significance. Last evaluated: 2026-08-01. Review status: criteria provided, single submitter. Criteria: CeGaT Center For Human Genetics Tuebingen Variant Classification Criteria Version 2. Collection method: clinical testing. Allele origin: germline. Affected: yes. Observed: 1 variant allele.
Comment: PIEZO1: PM2

Labcorp Genetics (formerly Invitae), Labcorp
Classification: Benign. Last evaluated: 2025-03-31. Review status: criteria provided, single submitter. Criteria: Invitae Variant Classification Sherloc (09022015). Collection method: clinical testing. Allele origin: germline.

Revvity Omics, Revvity
Classification: Uncertain significance. Last evaluated: 2024-01-16. Review status: criteria provided, single submitter. Criteria: ACMG Guidelines, 2015. Collection method: clinical testing. Allele origin: germline.

Mayo Clinic Laboratories, Mayo Clinic
Classification: Uncertain significance. Last evaluated: 2023-05-05. Review status: criteria provided, single submitter. Criteria: ACMG Guidelines, 2015. Collection method: clinical testing. Allele origin: germline. Observed: 1 variant allele.
Comment: PM2